The following is an entry in ClinVar:

NM_000038.6(APC):c.4794T>C (p.Ala1598=)

Gene: APC (APC regulator of Wnt signaling pathway; plus strand). Cytogenetic location: 5q22.2.
Variant type: single nucleotide variant.
Coding change: c.4794T>C on transcript NM_000038.6 (MANE Select); coding-DNA position 4794, T replaced by C.
Protein change: p.Ala1598=; no amino-acid change (alanine 1598 retained).
Molecular consequence: synonymous variant. On other transcripts: non-coding transcript variant (2).
Genome position (GRCh38, 1-based): chr5:112,840,388, T>C. VCF-style: chr5-112840388-T-C. GRCh37 (hg19) VCF-style: chr5-112176085-T-C.
Other names: c.4794T>C, p.Ala1598= (NM_001127510.3, NM_001354895.2, NM_001407450.1); c.4740T>C, p.Ala1580= (NM_001127511.3); c.4848T>C, p.Ala1616= (NM_001354896.2, NM_001407447.1, NM_001407448.1 and 1 more transcripts); c.4824T>C, p.Ala1608= (NM_001354897.2); c.4719T>C, p.Ala1573= (NM_001354898.2); c.4710T>C, p.Ala1570= (NM_001354899.2); c.4671T>C, p.Ala1557= (NM_001354900.2); c.4617T>C, p.Ala1539= (NM_001354901.2, NM_001407453.1); and 11 more.
Identifiers: ClinVar variation 3148305 (VCV003148305.1), dbSNP rs2149923935, ClinGen allele CA446208044.

ClinVar aggregate classification (germline): Benign (1 of 4 stars; one submission).

Conditions:
Familial adenomatous polyposis 1 (FAP1). Also called: POLYPOSIS, ADENOMATOUS INTESTINAL; FAMILIAL ADENOMATOUS POLYPOSIS 1, ATTENUATED. Identifiers: MedGen C2713442, MONDO:0021056, OMIM 175100. Disease mechanism: loss of function.

Submission:

Myriad Genetics, Inc.
Classification: Benign for Familial adenomatous polyposis 1. Last evaluated: 2024-03-27. Review status: criteria provided, single submitter. Criteria: Myriad Autosomal Dominant, Autosomal Recessive and X-Linked Classification Criteria (2023). Collection method: clinical testing. Allele origin: unknown.
Comment: This variant is considered benign. This variant is a silent/synonymous amino acid change and it is not expected to impact splicing.